The following is an entry in ClinVar:

ClinVar aggregate classification (germline): Uncertain significance. Review status: criteria provided, multiple submitters, no conflicts (2 of 4 stars). 2 submissions from 2 submitters: Uncertain significance (2). Last evaluated 2024-05-07.

Conditions:
CHARGE syndrome (CHARGE). Also called: Hittner Hirsch Kreh syndrome; CHARGE ASSOCIATION--COLOBOMA, HEART ANOMALY, CHOANAL ATRESIA, RETARDATION, GENITAL AND EAR ANOMALIES; Coloboma, heart anomaly, choanal atresia, retardation, genital and ear anomalies; CHARGE association; Hall-Hittner syndrome. Identifiers: Orphanet 138, MedGen C0265354, MONDO:0008965.

Submissions (2):

Blueprint Genetics
Classification: Uncertain significance. Last evaluated: 2024-05-07. Review status: criteria provided, single submitter. Criteria: ACMG Guidelines, 2015. Collection method: clinical testing. Allele origin: germline.

Labcorp Genetics (formerly Invitae), Labcorp
Classification: Uncertain significance for CHARGE syndrome. Last evaluated: 2022-11-01. Review status: criteria provided, single submitter. Criteria: Invitae Variant Classification Sherloc (09022015). Collection method: clinical testing. Allele origin: germline.
Comment: This sequence change results in a frameshift in the SEMA3E gene (p.Lys738Glyfs*47). While this is not anticipated to result in nonsense mediated decay, it is expected to disrupt the last 38 amino acid(s) of the SEMA3E protein and extend the protein by 8 additional amino acid residues. This variant is present in population databases (no rsID available, gnomAD 0.0009%). This variant has not been reported in the literature in individuals affected with SEMA3E-related conditions. Experimental studies and prediction algorithms are not available or were not evaluated, and the functional significance of this variant is currently unknown. In summary, the available evidence is currently insufficient to determine the role of this variant in disease. Therefore, it has been classified as a Variant of Uncertain Significance.

NM_012431.3(SEMA3E):c.2212_2215del (p.Lys738fs)

Gene: SEMA3E (semaphorin 3E; minus strand). Cytogenetic location: 7q21.11.
Variant type: Deletion.
Coding change: c.2212_2215del on transcript NM_012431.3 (MANE Select); coding-DNA positions 2212 to 2215, 4 bases deleted (AAGA; older notation c.2212_2215delAAGA).
Protein change: p.Lys738fs; shifts the reading frame from lysine 738.
Molecular consequence: frameshift variant.
Genome position (GRCh38, 1-based): chr7:83,367,699-83,367,702, TCTT deleted on the plus strand (AAGA on the coding strand, the reverse complement: SEMA3E is on the minus strand); deleting any 4 consecutive bases within chr7:83,367,699-83,367,705 gives the same sequence; the c. name uses the placement nearest the transcript's 3' end. VCF-style (leftmost placement, unchanged base first): chr7-83367698-CTCTT-C. GRCh37 (hg19) VCF-style: chr7-82997014-CTCTT-C.
Other names: c.2032_2035del, p.Lys678fs (NM_001178129.2); short protein forms K738fs, K678fs.
Identifiers: ClinVar variation 1969993 (VCV001969993.6), dbSNP rs1381902967, ClinGen allele CA576267032.
Genomic context (GRCh38, chr7:83,367,698, plus strand): 5'-AGCTTCTTTTCCTGAGGGTTGGCATACTTCCACTTGGAGGGTGACATTTTAAGCTTTTTC[CTCTT>C]TCTATCTGTGCACCATACTTTCTCGCAGTATTCTTCCACTCTCTGGAAGTTGCTATAACC-3'